The following is an entry in ClinVar:

ClinVar aggregate classification (germline): Uncertain significance (1 of 4 stars; one submission).

Conditions:
Acrocallosal syndrome (ACLS). Also called: HALLUX DUPLICATION, POSTAXIAL POLYDACTYLY, AND ABSENCE OF CORPUS CALLOSUM; Schinzel syndrome 1; Absence of corpus callosum with unusual facial appearance, mental deficiency, duplication of the halluces and polydactyly. Identifiers: Orphanet 36, MedGen C0796147, MONDO:0008708, OMIM 200990.

Allele frequency attached by ClinVar (database versions not stated): TOPMed below 0.00001; gnomAD exomes 0.00002.

Submission:

Labcorp Genetics (formerly Invitae), Labcorp
Classification: Uncertain significance for Acrocallosal syndrome. Last evaluated: 2022-08-19. Review status: criteria provided, single submitter. Criteria: Invitae Variant Classification Sherloc (09022015). Collection method: clinical testing. Allele origin: germline.
Comment: This variant has not been reported in the literature in individuals affected with KIF7-related conditions. In summary, the available evidence is currently insufficient to determine the role of this variant in disease. Therefore, it has been classified as a Variant of Uncertain Significance. Algorithms developed to predict the effect of sequence changes on RNA splicing suggest that this variant may disrupt the consensus splice site. This variant is present in population databases (no rsID available, gnomAD 0.002%). This variant, c.1425_1439del, results in the deletion of 5 amino acid(s) of the KIF7 protein (p.Gly476_Arg480del), but otherwise preserves the integrity of the reading frame.

NM_198525.3(KIF7):c.1425_1439del (p.Gly476_Arg480del)

Gene: KIF7 (kinesin family member 7; minus strand). Cytogenetic location: 15q26.1.
Variant type: Deletion.
Coding change: c.1425_1439del on transcript NM_198525.3 (MANE Select); coding-DNA positions 1425 to 1439, 15 bases deleted (GGGGGCCGGCGGGCG).
Protein change: p.Gly476_Arg480del.
Molecular consequence: inframe deletion.
Genome position (GRCh38, 1-based): chr15:89,648,259-89,648,273, CGCCCGCCGGCCCCC deleted on the plus strand (GGGGGCCGGCGGGCG on the coding strand, the reverse complement: KIF7 is on the minus strand). VCF-style (leftmost placement, unchanged base first): chr15-89648258-TCGCCCGCCGGCCCCC-T. GRCh37 (hg19) VCF-style: chr15-90191489-TCGCCCGCCGGCCCCC-T.
Identifiers: ClinVar variation 2144817 (VCV002144817.4), dbSNP rs1258855467, ClinGen allele CA619525739.
Genomic context (GRCh38, chr15:89,648,258, plus strand): 5'-TCCTCTCCACCACTCCCCACTGCCCACAACCACAACCACAACCTGTCCCTCGGCCACCTT[TCGCCCGCCGGCCCCC>T]TGCGCCGCCTGGTCCTCGACGGAGGCGCTCTCGATGCCGCTATCGGGCCCGGAGGCGGAG-3'